The following is an entry in ClinVar:

ClinVar aggregate classification (germline): Uncertain significance (1 of 4 stars; one submission).

Conditions:
STAT3-related disorder. Also called: STAT3-related condition.

Submission:

PreventionGenetics, part of Exact Sciences
Classification: Uncertain significance for STAT3-related condition. Last evaluated: 2024-12-04. Review status: criteria provided, single submitter. Criteria: ACMG Guidelines, 2015. Collection method: clinical testing. Allele origin: germline.
Comment: The STAT3 c.839A>C variant is predicted to result in the amino acid substitution p.Gln280Pro. This variant was reported in individuals with features of infantile-onset multisystem autoimmune disease-1; however, this variant was also observed in asymptomatic family members (Jägle et al. 2020. PubMed ID: 31770611; P196 in Rojas-Restrepo et al. 2021. PubMed ID: 34975878). This variant was also reported in an individual with early-onset inflammatory bowel disease and recurrent fever (P10 in Moser et al. 2023. PubMed ID: 36214981). Functional studies indicate this variant has increased binding to the wild-type STAT3 protein and increased inducible transcriptional activity (Jägle et al. 2020. PubMed ID: 31770611). This variant has not been reported in a large population database (gnomAD), indicating this variant is rare. At this time, the clinical significance of this variant is uncertain due to the absence of conclusive functional and genetic evidence.

NM_139276.3(STAT3):c.839A>C (p.Gln280Pro)

Gene: STAT3 (signal transducer and activator of transcription 3; minus strand). Cytogenetic location: 17q21.2.
Variant type: single nucleotide variant.
Coding change: c.839A>C on transcript NM_139276.3 (MANE Select); coding-DNA position 839, A replaced by C.
Protein change: p.Gln280Pro; replaces glutamine 280 with proline.
Molecular consequence: missense variant.
Genome position (GRCh38, 1-based): chr17:42,334,008, T>G on the plus strand (A>C on the coding strand, the complement: STAT3 is on the minus strand). VCF-style: chr17-42334008-T-G. GRCh37 (hg19) VCF-style: chr17-40486026-T-G.
Other names: c.839A>C, p.Gln280Pro (NM_001369512.1, NM_001369513.1, NM_001369514.1 and 15 more transcripts); c.761A>C, p.Gln254Pro (NM_001384985.1); c.743A>C, p.Gln248Pro (NM_001384989.1); short protein forms Q248P, Q254P, Q280P.
Identifiers: ClinVar variation 4998212 (VCV004998212.1).
Genomic context (GRCh38, chr17:42,334,008, plus strand): 5'-TGTACAATGGGGTCCCCTTTGTAGGAAACTTTTTGCTGCAACTCCTCCAGTTTCTTAATT[T>G]GTTGACGGGTCTGAAGTTGAGATTCTGCTAATGACGTTATCCTGCCAATAAATTAAGAAA-3'
Protein context (NP_644805.1, residues 270-290): LAESQLQTRQ[Gln280Pro]IKKLEELQQK